The following is an entry in ClinVar:

NM_206933.4(USH2A):c.10314del (p.Ser3439fs)

Gene: USH2A (usherin; minus strand). Cytogenetic location: 1q41.
Variant type: Deletion.
Coding change: c.10314del on transcript NM_206933.4 (MANE Select); coding-DNA position 10314, one base deleted (A; older notation c.10314delA).
Protein change: p.Ser3439fs; shifts the reading frame from serine 3439.
Molecular consequence: frameshift variant.
Genome position (GRCh38, 1-based): chr1:215,786,743, T deleted on the plus strand (A on the coding strand, the reverse complement: USH2A is on the minus strand). VCF-style (leftmost placement, unchanged base first): chr1-215786742-AT-A. GRCh37 (hg19) VCF-style: chr1-215960084-AT-A.
Other names: short protein forms S3439fs.
Identifiers: ClinVar variation 1070085 (VCV001070085.7), dbSNP rs2102766886, ClinGen allele CA2499214483.

ClinVar aggregate classification (germline): Pathogenic (1 of 4 stars; one submission).

Submission:

Labcorp Genetics (formerly Invitae), Labcorp
Classification: Pathogenic. Last evaluated: 2020-04-12. Review status: criteria provided, single submitter. Criteria: Invitae Variant Classification Sherloc (09022015). Collection method: clinical testing. Allele origin: germline.
Comment: This variant has not been reported in the literature in individuals with USH2A-related conditions. For these reasons, this variant has been classified as Pathogenic. Loss-of-function variants in USH2A are known to be pathogenic (PMID: 10729113, 10909849, 20507924, 25649381). This variant is not present in population databases (ExAC no frequency). This sequence change creates a premature translational stop signal (p.Ser3439Glnfs*18) in the USH2A gene. It is expected to result in an absent or disrupted protein product.

Literature cited by the submitters: PubMed 10729113; PubMed 10909849; PubMed 20507924; PubMed 25649381.